The following is an entry in ClinVar:

NM_032043.3(BRIP1):c.3200G>T (p.Cys1067Phe)

Gene: BRIP1 (BRCA1 interacting DNA helicase 1; minus strand). Cytogenetic location: 17q23.2.
Variant type: single nucleotide variant.
Coding change: c.3200G>T on transcript NM_032043.3 (MANE Select); coding-DNA position 3200, G replaced by T.
Protein change: p.Cys1067Phe; replaces cysteine 1067 with phenylalanine.
Molecular consequence: missense variant.
Genome position (GRCh38, 1-based): chr17:61,683,846, C>A on the plus strand (G>T on the coding strand, the complement: BRIP1 is on the minus strand). VCF-style: chr17-61683846-C-A. GRCh37 (hg19) VCF-style: chr17-59761207-C-A.
Other names: short protein forms C1067F.
Identifiers: ClinVar variation 1446636 (VCV001446636.9), dbSNP rs2144084686, ClinGen allele CA400479338.
Genomic context (GRCh38, chr17:61,683,846, plus strand): 5'-TTTTTTCTAGTAAGGGTGGCATCAATCTTTAATGATGAAATAATGGTTTCTGATTGAGGG[C>A]ATGATCCAAACGATGTGTTTACTGTCAGATTTGAGGATTCACATTTATCAGTGAAGGGCA-3'
Protein context (NP_114432.2, residues 1057-1077): NLTVNTSFGS[Cys1067Phe]PQSETIISSL

ClinVar aggregate classification (germline): Uncertain significance (1 of 4 stars; one submission).

Conditions:
Familial cancer of breast. Also called: BREAST CANCER, FAMILIAL; Hereditary breast cancer; hereditary breast carcinoma. Identifiers: Orphanet 227535, MedGen C0346153, MONDO:0016419, OMIM 114480. Disease mechanism: loss of function.
Fanconi anemia complementation group J. Also called: BRIP1-Related Fanconi Anemia. Identifiers: Orphanet 84, MedGen C1836860, MONDO:0012187, OMIM 609054.

Submission:

Labcorp Genetics (formerly Invitae), Labcorp
Classification: Uncertain significance for Familial cancer of breast; Fanconi anemia complementation group J. Last evaluated: 2021-04-14. Review status: criteria provided, single submitter. Criteria: Invitae Variant Classification Sherloc (09022015). Collection method: clinical testing. Allele origin: germline.
Comment: In summary, the available evidence is currently insufficient to determine the role of this variant in disease. Therefore, it has been classified as a Variant of Uncertain Significance. Algorithms developed to predict the effect of missense changes on protein structure and function (SIFT, PolyPhen-2, Align-GVGD) all suggest that this variant is likely to be tolerated, but these predictions have not been confirmed by published functional studies and their clinical significance is uncertain. This variant has not been reported in the literature in individuals with BRIP1-related conditions. This variant is not present in population databases (ExAC no frequency). This sequence change replaces cysteine with phenylalanine at codon 1067 of the BRIP1 protein (p.Cys1067Phe). The cysteine residue is weakly conserved and there is a large physicochemical difference between cysteine and phenylalanine.